The following is an entry in ClinVar:

ClinVar aggregate classification (germline): Uncertain significance (1 of 4 stars; one submission).

Allele frequency attached by ClinVar (database versions not stated): ExAC 0.00001; gnomAD 0.00001; TOPMed 0.00002.
gnomAD v4.1: 5 of 1,614,032 alleles (0.00031%); highest among the groups gnomAD compares: Non-Finnish European, 0.00042%; no homozygotes.

Submission:

Women's Health and Genetics/Laboratory Corporation of America, LabCorp
Classification: Uncertain significance. Last evaluated: 2023-10-19. Review status: criteria provided, single submitter. Criteria: LabCorp Variant Classification Summary - May 2015. Collection method: clinical testing. Allele origin: germline.
Comment: Variant summary: ASXL1 c.3102A>T (p.Lys1034Asn) results in a non-conservative amino acid change in the encoded protein sequence. Four of five in-silico tools predict a benign effect of the variant on protein function. The variant allele was found at a frequency of 4e-06 in 251474 control chromosomes (gnomAD). The available data on variant occurrences in the general population are insufficient to allow any conclusion about variant significance. To our knowledge, no occurrence of c.3102A>T in individuals affected with Bohring-Opitz Syndrome and no experimental evidence demonstrating its impact on protein function have been reported. No submitters have cited clinical-significance assessments for this variant to ClinVar after 2014. Based on the evidence outlined above, the variant was classified as uncertain significance.

Literature cited by the submitters: PubMed 22489043; PubMed 24442206; PubMed 24458439; PubMed 25652455; PubMed 24695057; PubMed 23018865; PubMed 21881046; PubMed 23619563; PubMed 20880116; PubMed 23690417; PubMed 22031865; PubMed 25596267; PubMed 22058207; PubMed 24496303; PubMed 21576631; PubMed 24255920; PubMed 27895058; PubMed 27276561; PubMed 27069254.

NM_015338.6(ASXL1):c.3102A>T (p.Lys1034Asn)

Gene: ASXL1 (ASXL transcriptional regulator 1; plus strand). Cytogenetic location: 20q11.21.
Variant type: single nucleotide variant.
Coding change: c.3102A>T on transcript NM_015338.6 (MANE Select); coding-DNA position 3102, A replaced by T.
Protein change: p.Lys1034Asn; replaces lysine 1034 with asparagine.
Molecular consequence: missense variant.
Genome position (GRCh38, 1-based): chr20:32,435,814, A>T. VCF-style: chr20-32435814-A-T. GRCh37 (hg19) VCF-style: chr20-31023617-A-T.
Other names: c.2919A>T, p.Lys973Asn (NM_001363734.1); short protein forms K1034N, K973N.
Identifiers: ClinVar variation 2637826 (VCV002637826.1), dbSNP rs751952846, ClinGen allele CA9808758.